The following is an entry in ClinVar:

ClinVar aggregate classification (germline): Uncertain significance. Review status: criteria provided, multiple submitters, no conflicts (2 of 4 stars). 2 submissions from 2 submitters: Uncertain significance (2). Last evaluated 2024-09-29.

Conditions:
Thrombocytopenia 1. Also called: THROMBOCYTOPENIA, X-LINKED, 1; X-linked thrombocytopenia with normal platelets; X-Linked Thrombocytopenia (XLT). Identifiers: Orphanet 268322, Orphanet 852, MedGen C1839163, MONDO:0010743, OMIM 313900.
Wiskott-Aldrich syndrome (WAS). Also called: ALDRICH SYNDROME; IMMUNODEFICIENCY 2; WISKOTT-ALDRICH SYNDROME 1; Wiskott-aldrich syndrome, somatic. Identifiers: Orphanet 906, MedGen C0043194, MONDO:0010518, OMIM 301000.
X-linked severe congenital neutropenia (SCNX). Identifiers: Orphanet 86788, MedGen C1845987, MONDO:0010294, OMIM 300299.
WAS-related disorder. Also called: WAS-related condition; WAS-Related Disorders. Identifiers: MedGen CN381538.

Allele frequency attached by ClinVar (database versions not stated): gnomAD 0.00001; gnomAD exomes 0.00001; TOPMed 0.00001.
gnomAD v4.1: 10 of 1,180,848 alleles (0.00085%); highest among the groups gnomAD compares: Non-Finnish European, 0.0011%; no homozygotes.

Submissions (2):

Labcorp Genetics (formerly Invitae), Labcorp
Classification: Uncertain significance for Wiskott-Aldrich syndrome; X-linked severe congenital neutropenia; Thrombocytopenia 1. Last evaluated: 2024-09-29. Review status: criteria provided, single submitter. Criteria: Invitae Variant Classification Sherloc (09022015). Collection method: clinical testing. Allele origin: germline.
Comment: This sequence change replaces proline, which is neutral and non-polar, with leucine, which is neutral and non-polar, at codon 330 of the WAS protein (p.Pro330Leu). This variant is present in population databases (no rsID available, gnomAD 0.01%). This variant has not been reported in the literature in individuals affected with WAS-related conditions. ClinVar contains an entry for this variant (Variation ID: 1045126). Invitae Evidence Modeling of protein sequence and biophysical properties (such as structural, functional, and spatial information, amino acid conservation, physicochemical variation, residue mobility, and thermodynamic stability) indicates that this missense variant is not expected to disrupt WAS protein function with a negative predictive value of 80%. In summary, the available evidence is currently insufficient to determine the role of this variant in disease. Therefore, it has been classified as a Variant of Uncertain Significance.

PreventionGenetics, part of Exact Sciences
Classification: Uncertain significance for WAS-related condition. Last evaluated: 2023-08-14. Review status: criteria provided, single submitter. Criteria: ACMG Guidelines, 2015. Collection method: clinical testing. Allele origin: germline.
Comment: The WAS c.989C>T variant is predicted to result in the amino acid substitution p.Pro330Leu. To our knowledge, this variant has not been reported in the literature or in a large population database, indicating this variant is rare. At this time, the clinical significance of this variant is uncertain due to the absence of conclusive functional and genetic evidence.

NM_000377.3(WAS):c.989C>T (p.Pro330Leu)

Gene: WAS (WASP actin nucleation promoting factor; plus strand). Cytogenetic location: Xp11.23.
Variant type: single nucleotide variant.
Coding change: c.989C>T on transcript NM_000377.3 (MANE Select); coding-DNA position 989, C replaced by T.
Protein change: p.Pro330Leu; replaces proline 330 with leucine.
Molecular consequence: missense variant.
Genome position (GRCh38, 1-based): chrX:48,688,717, C>T. VCF-style: chrX-48688717-C-T. GRCh37 (hg19) VCF-style: chrX-48547106-C-T.
Other names: c.989C>T (NM_000377.2); short protein forms P330L.
Identifiers: ClinVar variation 1045126 (VCV001045126.8), dbSNP rs1178247738, ClinGen allele CA16622101.